The following is an entry in ClinVar:

ClinVar aggregate classification (germline): Pathogenic (1 of 4 stars; one submission).

Conditions:
Deficiency of malonyl-CoA decarboxylase. Also called: Malonic aciduria; MCD deficiency. Identifiers: Orphanet 943, MedGen C0342793, MONDO:0009556, OMIM 248360.

Submission:

Labcorp Genetics (formerly Invitae), Labcorp
Classification: Pathogenic for Deficiency of malonyl-CoA decarboxylase. Last evaluated: 2023-11-21. Review status: criteria provided, single submitter. Criteria: Invitae Variant Classification Sherloc (09022015). Collection method: clinical testing. Allele origin: unknown.
Comment: This variant is a gross deletion of the genomic region encompassing exon(s) 1-3 of the MLYCD gene, which includes the initiator codon. This deletion extends beyond the assayed region for this gene and therefore may encompass additional genes. It is expected to result in an absent or disrupted protein product. Loss-of-function variants in MLYCD are known to be pathogenic (PMID: 12955715, 17186413). A similar copy number variant has been observed in individual(s) with malonyl-CoA decarboxylase deficiency (PMID: 26858006, 32602666). For these reasons, this variant has been classified as Pathogenic.

Literature cited by the submitters: PubMed 12955715; PubMed 17186413; PubMed 26858006; PubMed 32602666.

NC_000016.9:g.(?_83932750)_(83941907_?)del

Gene: MLYCD (malonyl-CoA decarboxylase; plus strand). Cytogenetic location: 16q23.3.
Variant type: Deletion.
Identifiers: ClinVar variation 3243345 (VCV003243345.1).